The following is an entry in ClinVar:

ClinVar aggregate classification (germline): Conflicting classifications of pathogenicity. Review status: criteria provided, conflicting classifications (1 of 4 stars). 2 submissions from 2 submitters: Uncertain significance (1); Likely benign (1). Last evaluated 2025-02-25.

Conditions:
Inborn genetic diseases. Identifiers: MedGen C0950123, MeSH D030342.

gnomAD v4.1: 12 of 1,613,900 alleles (0.00074%); highest among the groups gnomAD compares: South Asian, 0.0022%; no homozygotes.

Submissions (2):

Ambry Genetics
Classification: Likely benign for Inborn genetic diseases. Last evaluated: 2025-02-25. Review status: criteria provided, single submitter. Criteria: Ambry Variant Classification Scheme 2023. Collection method: clinical testing. Allele origin: germline.

Labcorp Genetics (formerly Invitae), Labcorp
Classification: Uncertain significance. Last evaluated: 2024-09-06. Review status: criteria provided, single submitter. Criteria: Invitae Variant Classification Sherloc (09022015). Collection method: clinical testing. Allele origin: germline.
Comment: This sequence change replaces glycine, which is neutral and non-polar, with arginine, which is basic and polar, at codon 1142 of the SAMD9 protein (p.Gly1142Arg). This variant is present in population databases (rs749260299, gnomAD 0.003%). This variant has not been reported in the literature in individuals affected with SAMD9-related conditions. Invitae Evidence Modeling of protein sequence and biophysical properties (such as structural, functional, and spatial information, amino acid conservation, physicochemical variation, residue mobility, and thermodynamic stability) indicates that this missense variant is not expected to disrupt SAMD9 protein function with a negative predictive value of 95%. In summary, the available evidence is currently insufficient to determine the role of this variant in disease. Therefore, it has been classified as a Variant of Uncertain Significance.

NM_017654.4(SAMD9):c.3424G>A (p.Gly1142Arg)

Gene: SAMD9 (sterile alpha motif domain containing 9; minus strand). Cytogenetic location: 7q21.2.
Variant type: single nucleotide variant.
Coding change: c.3424G>A on transcript NM_017654.4 (MANE Select); coding-DNA position 3424, G replaced by A.
Protein change: p.Gly1142Arg; replaces glycine 1142 with arginine.
Molecular consequence: missense variant.
Genome position (GRCh38, 1-based): chr7:93,102,674, C>T on the plus strand (G>A on the coding strand, the complement: SAMD9 is on the minus strand). VCF-style: chr7-93102674-C-T. GRCh37 (hg19) VCF-style: chr7-92731987-C-T.
Other names: c.3424G>A, p.Gly1142Arg (NM_001193307.2); short protein forms G1142R.
Identifiers: ClinVar variation 3436994 (VCV003436994.4).
Genomic context (GRCh38, chr7:93,102,674, plus strand): 5'-CACTTGAGGCATGTTCTGCTAAATCCAAAAGAGCAATTAGATCATCAACTGAAATGTTCC[C>T]GTTTCCTCCGTTTTCCTCTATCCACCATCTTATTTTACTTTTGTAGACTTGACCCAGTGT-3'
Protein context (NP_060124.2, residues 1132-1152): RWWIEENGGN[Gly1142Arg]NISVDDLIAL